The following is an entry in ClinVar:

NM_013275.6(ANKRD11):c.2273dup (p.Arg759fs)

Gene: ANKRD11 (ankyrin repeat domain 11; minus strand). Cytogenetic location: 16q24.3.
Variant type: Duplication.
Coding change: c.2273dup on transcript NM_013275.6 (MANE Select); coding-DNA position 2273, one base duplicated (T; older notation c.2273dupT).
Protein change: p.Arg759fs; shifts the reading frame from arginine 759.
Molecular consequence: frameshift variant.
Genome position (GRCh38, 1-based): chr16:89,284,269, A duplicated on the plus strand (T on the coding strand, the reverse complement: ANKRD11 is on the minus strand). VCF-style (leftmost placement, unchanged base first): chr16-89284268-C-CA. GRCh37 (hg19) VCF-style: chr16-89350676-C-CA.
Other names: c.2273dup, p.Arg759fs (NM_001256182.2, NM_001256183.2); c.2273dup (NM_013275.5); short protein forms R759fs.
Identifiers: ClinVar variation 1701025 (VCV001701025.3), dbSNP rs2151760723, ClinGen allele CA2580092309.

ClinVar aggregate classification (germline): Pathogenic. Review status: criteria provided, multiple submitters, no conflicts (2 of 4 stars). 2 submissions from 2 submitters: Pathogenic (2). Last evaluated 2026-01-30.

Conditions:
KBG syndrome (KBGS). Also called: ANKRD11-Related KBG Syndrome. Identifiers: Orphanet 2332, MedGen C0220687, MONDO:0007846, OMIM 148050.

Submissions (2):

GeneDx
Classification: Pathogenic. Last evaluated: 2026-01-30. Review status: criteria provided, single submitter. Criteria: GeneDx Variant Classification Process June 2021. Collection method: clinical testing. Allele origin: germline.
Comment: De novo variant with confirmed parentage in a patient with reported clinical features that are partially consistent with the features typically observed in individuals with pathogenic variants in this gene (PMID: 37010288); Frameshift variant predicted to result in protein truncation or nonsense mediated decay in a gene for which loss of function is a known mechanism of disease; Not observed at significant frequency in large population cohorts (gnomAD); This variant is associated with the following publications: (PMID: 33057194, 35982159, 35175682, 39364636, 37226940, 37964495, 35970914, 37010288)

Genome Medicine, Institute for Basic Research in Developmental Disabilities
Classification: Pathogenic for KBG syndrome. Review status: criteria provided, single submitter. Criteria: ACMG Guidelines, 2015. Collection method: clinical testing. Allele origin: unknown. Affected: yes. Observed: 1 variant allele.

Literature cited by the submitters: PubMed 35970914 (cited by Genome Medicine, Institute for Basic Research in Developmental Disabilities).